The following is an entry in ClinVar:

ClinVar aggregate classification (germline): Likely benign. Review status: criteria provided, single submitter (1 of 4 stars). 2 submissions from 2 submitters: Likely benign (1). 1 of the submissions does not count toward it. Last evaluated 2024-11-11.

Conditions:
PRKCSH-related disorder. Also called: PRKCSH-related condition.

Allele frequency attached by ClinVar (database versions not stated): ExAC 0.00002; gnomAD 0.00005; TOPMed 0.00006; gnomAD exomes 0.00012; ESP Exome Variant Server 0.00015.
gnomAD v4.1: 182 of 1,613,308 alleles (0.011%); highest among the groups gnomAD compares: Non-Finnish European, 0.015%; no homozygotes.

Submissions (2):

Labcorp Genetics (formerly Invitae), Labcorp
Classification: Likely benign. Last evaluated: 2024-11-11. Review status: criteria provided, single submitter. Criteria: Invitae Variant Classification Sherloc (09022015). Collection method: clinical testing. Allele origin: germline.

PreventionGenetics, part of Exact Sciences
Classification: Likely benign for PRKCSH-related condition. Last evaluated: 2023-11-09. Review status: no assertion criteria provided. Collection method: clinical testing. Allele origin: germline. Not counted in ClinVar's aggregate classification.
Comment: This variant is classified as likely benign based on ACMG/AMP sequence variant interpretation guidelines (Richards et al. 2015 PMID: 25741868, with internal and published modifications).

NM_001289104.2(PRKCSH):c.1545G>A (p.Thr515=)

Gene: PRKCSH (PRKCSH beta subunit of glucosidase II; plus strand). Cytogenetic location: 19p13.2.
Variant type: single nucleotide variant.
Coding change: c.1545G>A on transcript NM_001289104.2 (MANE Select); coding-DNA position 1545, G replaced by A.
Protein change: p.Thr515=; no amino-acid change (threonine 515 retained).
Molecular consequence: synonymous variant.
Genome position (GRCh38, 1-based): chr19:11,449,349, G>A. VCF-style: chr19-11449349-G-A. GRCh37 (hg19) VCF-style: chr19-11560164-G-A.
Other names: c.1515G>A, p.Thr505= (NM_001001329.3, NM_001289102.2, NM_001379609.1); c.1545G>A, p.Thr515= (NM_001289103.2); c.1524G>A, p.Thr508= (NM_001379608.1, NM_002743.3).
Identifiers: ClinVar variation 2903775 (VCV002903775.5), dbSNP rs367986051, ClinGen allele CA9213361.